The following is an entry in ClinVar:

NC_000022.10:g.(?_31003319)_(31022508_?)dup

Gene: TCN2 (transcobalamin 2; plus strand). Cytogenetic location: 22q12.2.
Variant type: Duplication.
Identifiers: ClinVar variation 3247402 (VCV003247402.1).

ClinVar aggregate classification (germline): Uncertain significance (1 of 4 stars; one submission).

Conditions:
Transcobalamin II deficiency (TCN2D). Also called: TC II DEFICIENCY; TCN2 DEFICIENCY; Transcolabamin II deficiency. Identifiers: Orphanet 859, MedGen C0342701, MONDO:0010149, OMIM 275350.

Submission:

Labcorp Genetics (formerly Invitae), Labcorp
Classification: Uncertain significance for Transcobalamin II deficiency. Last evaluated: 2024-01-02. Review status: criteria provided, single submitter. Criteria: Invitae Variant Classification Sherloc (09022015). Collection method: clinical testing. Allele origin: unknown.
Comment: A copy number gain of the genomic region encompassing the full coding sequence of the TCN2 gene has been identified. The boundaries of this event are unknown as they extend beyond the assayed region for this gene and therefore may encompass additional genes. As the precise location of this event is unknown, it may be in tandem or it may be located elsewhere in the genome. This variant has not been reported in the literature in individuals affected with TCN2-related conditions. Experimental studies and prediction algorithms are not available or were not evaluated, and the functional significance of this variant is currently unknown. In summary, the available evidence is currently insufficient to determine the role of this variant in disease. Therefore, it has been classified as a Variant of Uncertain Significance.